The following is an entry in ClinVar:

NM_022552.5(DNMT3A):c.1023T>C (p.Val341=)

Gene: DNMT3A (DNA methyltransferase 3 alpha; minus strand). Cytogenetic location: 2p23.3.
Variant type: single nucleotide variant.
Coding change: c.1023T>C on transcript NM_022552.5 (MANE Select); coding-DNA position 1023, T replaced by C.
Protein change: p.Val341=; no amino-acid change (valine 341 retained).
Molecular consequence: synonymous variant. On other transcripts: non-coding transcript variant (1).
Genome position (GRCh38, 1-based): chr2:25,247,150, A>G on the plus strand (T>C on the coding strand, the complement: DNMT3A is on the minus strand). VCF-style: chr2-25247150-A-G. GRCh37 (hg19) VCF-style: chr2-25470019-A-G.
Other names: c.567T>C, p.Val189= (NM_001320893.1); c.354T>C, p.Val118= (NM_001375819.1); c.456T>C, p.Val152= (NM_153759.3); c.1023T>C, p.Val341= (NM_175629.2); c.1023T>C (NM_022552.3).
Identifiers: ClinVar variation 3723819 (VCV003723819.4).
Genomic context (GRCh38, chr2:25,247,150, plus strand): 5'-CTTGTTGTACGTGGCCTGGTGGAACGCACTGCAAAACGAGCTCAGCGGCATCAGCTTCTC[A>G]ACACACACCTGGGGGGACAAGCCAGGCCTTGTTTGCCGAGGCTTACACTTGCAAGCACCC-3'
Protein context (NP_072046.2, residues 331-351): FGDGKFSVVC[Val341=]EKLMPLSSFC

ClinVar aggregate classification (germline): Likely benign. Review status: criteria provided, multiple submitters, no conflicts (2 of 4 stars). 3 submissions from 3 submitters: Likely benign (3). Last evaluated 2025-04-25.

Conditions:
Inborn genetic diseases. Identifiers: MedGen C0950123, MeSH D030342.
Tatton-Brown-Rahman overgrowth syndrome. Also called: Tatton-Brown-Rahman syndrome; Tall stature-intellectual disability-facial dysmorphism syndrome. Identifiers: Orphanet 404443, MedGen C4014545, MONDO:0014382, OMIM 615879.
DNMT3A-related disorder. Also called: DNMT3A-related condition; DNMT3A-related disorders.

gnomAD v4.1: 3 of 1,613,328 alleles (0.00019%); highest among the groups gnomAD compares: Admixed American, 0.005%; no homozygotes.

Submissions (3):

Ambry Genetics
Classification: Likely benign for Inborn genetic diseases. Last evaluated: 2025-04-25. Review status: criteria provided, single submitter. Criteria: Ambry Variant Classification Scheme 2023. Collection method: clinical testing. Allele origin: germline.

Labcorp Genetics (formerly Invitae), Labcorp
Classification: Likely benign for Tatton-Brown-Rahman overgrowth syndrome. Last evaluated: 2025-01-22. Review status: criteria provided, single submitter. Criteria: Invitae Variant Classification Sherloc (09022015). Collection method: clinical testing. Allele origin: germline.

PreventionGenetics, part of Exact Sciences
Classification: Likely benign for DNMT3A-related condition. Last evaluated: 2025-01-08. Review status: criteria provided, single submitter. Criteria: ACMG Guidelines, 2015. Collection method: clinical testing. Allele origin: germline.
Comment: This variant is classified as likely benign based on ACMG/AMP sequence variant interpretation guidelines (Richards et al. 2015 PMID: 25741868, with internal and published modifications).